The following is an entry in ClinVar:

NM_138694.4(PKHD1):c.3474G>A (p.Trp1158Ter)

Gene: PKHD1 (PKHD1 ciliary IPT domain containing fibrocystin/polyductin; minus strand). Cytogenetic location: 6p12.2.
Variant type: single nucleotide variant.
Coding change: c.3474G>A on transcript NM_138694.4 (MANE Select); coding-DNA position 3474, G replaced by A.
Protein change: p.Trp1158Ter; replaces tryptophan 1158 with a stop codon.
Molecular consequence: nonsense.
Genome position (GRCh38, 1-based): chr6:52,028,242, C>T on the plus strand (G>A on the coding strand, the complement: PKHD1 is on the minus strand). VCF-style: chr6-52028242-C-T. GRCh37 (hg19) VCF-style: chr6-51893040-C-T.
Other names: c.3474G>A, p.Trp1158Ter (NM_170724.3); short protein forms W1158*.
Identifiers: ClinVar variation 357440 (VCV000357440.10), dbSNP rs886061619, ClinGen allele CA10627206.
Genomic context (GRCh38, chr6:52,028,242, plus strand): 5'-GATAGAGACGGAAATTCTGTGGAGACCAGCTGGCAGTGGGGGCAGTGCCACCTCCAGGCC[C>T]CAAGCCGACTGTGTGTGAACCGGAGCCAAGGCATCCTGGACGTGGACTTCCACATCCAAA-3'

ClinVar aggregate classification (germline): Pathogenic/Likely pathogenic. Review status: criteria provided, multiple submitters, no conflicts (2 of 4 stars). 3 submissions from 3 submitters: Pathogenic (1); Likely pathogenic (1). 1 of the submissions does not count toward it. Last evaluated 2024-04-26.

Conditions:
Polycystic kidney disease 4 (PKD4). Also called: Autosomal Recessive Polycystic Kidney Disease – PKHD1; POLYCYSTIC KIDNEY AND HEPATIC DISEASE 1; POLYCYSTIC KIDNEY DISEASE, INFANTILE, TYPE I; POLYCYSTIC KIDNEY DISEASE 4 WITH OR WITHOUT POLYCYSTIC LIVER DISEASE; PKD3. Identifiers: MedGen C4540575, MONDO:0033004, OMIM 263200.

Allele frequency attached by ClinVar (database versions not stated): gnomAD exomes below 0.00001.
gnomAD v4.1: 4 of 1,614,170 alleles (0.00025%); highest among the groups gnomAD compares: Non-Finnish European, 0.00034%; no homozygotes.

Submissions (3):

Fulgent Genetics
Classification: Likely pathogenic for Polycystic kidney disease 4. Last evaluated: 2024-04-26. Review status: criteria provided, single submitter. Criteria: ACMG Guidelines, 2015. Collection method: clinical testing. Allele origin: germline.

ARUP Laboratories, Molecular Genetics and Genomics, ARUP Laboratories
Classification: Pathogenic for Polycystic kidney disease 4. Last evaluated: 2024-01-30. Review status: criteria provided, single submitter. Criteria: ARUP Molecular Germline Variant Investigation Process 2024. Collection method: clinical testing. Allele origin: germline.
Comment: The PKHD1 c.3474G>A; p.Trp1158Ter variant (rs886061619), to our knowledge, is not reported in the medical literature but is reported in ClinVar (Variation ID: 357440). This variant is absent from the Genome Aggregation Database (v2.1.1), indicating it is not a common polymorphism. This variant induces an early termination codon in exon 30 (out of 67) and is predicted to result in a truncated protein or mRNA subject to nonsense-mediated decay. A similar nonsense variant in this exon has been reported in an individual with clinical suspicion of autosomal recessive polycystic kidney disease (Melchionda 2016). Based on available information, this variant is considered to be pathogenic. References: Melchionda S et al. Expanding the mutation spectrum in 130 probands with ARPKD: identification of 62 novel PKHD1 mutations by sanger sequencing and MLPA analysis. J Hum Genet. 2016 Sep;61(9):811-21. PMID: 27225849.

Counsyl
Classification: Likely pathogenic for Polycystic kidney disease 4. Last evaluated: 2018-12-18. Review status: no assertion criteria provided. Collection method: clinical testing. Allele origin: unknown. Not counted in ClinVar's aggregate classification.